The following is an entry in ClinVar:

NM_152468.5(TMC8):c.604C>T (p.Arg202Cys)

Gene: TMC8 (transmembrane channel like 8; plus strand). Cytogenetic location: 17q25.3.
Variant type: single nucleotide variant.
Coding change: c.604C>T on transcript NM_152468.5 (MANE Select); coding-DNA position 604, C replaced by T.
Protein change: p.Arg202Cys; replaces arginine 202 with cysteine.
Molecular consequence: missense variant.
Genome position (GRCh38, 1-based): chr17:78,133,478, C>T. VCF-style: chr17-78133478-C-T. GRCh37 (hg19) VCF-style: chr17-76129559-C-T.
Other names: c.604C>T (NM_152468.4); short protein forms R202C.
Identifiers: ClinVar variation 1005245 (VCV001005245.9), dbSNP rs558832885, ClinGen allele CA8796530.
Genomic context (GRCh38, chr17:78,133,478, plus strand): 5'-ACCTATCTCTTCTACGGTGCGTACCGAGTGGGGCCGGAGAGCAGCTCCGTGTACAGCATC[C>T]GCCTGGCCTACCTCCTCAGCCCGCTGGCCTGCCTGCTCCTCTGCTTCTGTGGGACTCTGC-3'
Protein context (NP_689681.2, residues 192-212): GPESSSVYSI[Arg202Cys]LAYLLSPLAC

ClinVar aggregate classification (germline): Uncertain significance. Review status: criteria provided, multiple submitters, no conflicts (2 of 4 stars). 2 submissions from 2 submitters: Uncertain significance (2). Last evaluated 2024-07-29.

Conditions:
Inborn genetic diseases. Identifiers: MedGen C0950123, MeSH D030342.
Epidermodysplasia verruciformis. Identifiers: Orphanet 302, MedGen C0014522, MONDO:0009176.

Allele frequency attached by ClinVar (database versions not stated): gnomAD 0.00001; gnomAD exomes 0.00002; TOPMed 0.00002.

Submissions (2):

Labcorp Genetics (formerly Invitae), Labcorp
Classification: Uncertain significance for Epidermodysplasia verruciformis. Last evaluated: 2024-07-29. Review status: criteria provided, single submitter. Criteria: Invitae Variant Classification Sherloc (09022015). Collection method: clinical testing. Allele origin: germline.
Comment: This sequence change replaces arginine, which is basic and polar, with cysteine, which is neutral and slightly polar, at codon 202 of the TMC8 protein (p.Arg202Cys). This variant is present in population databases (rs558832885, gnomAD 0.006%). This variant has not been reported in the literature in individuals affected with TMC8-related conditions. ClinVar contains an entry for this variant (Variation ID: 1005245). Advanced modeling of protein sequence and biophysical properties (such as structural, functional, and spatial information, amino acid conservation, physicochemical variation, residue mobility, and thermodynamic stability) performed at Invitae indicates that this missense variant is not expected to disrupt TMC8 protein function with a negative predictive value of 80%. In summary, the available evidence is currently insufficient to determine the role of this variant in disease. Therefore, it has been classified as a Variant of Uncertain Significance.

Ambry Genetics
Classification: Uncertain significance for Inborn genetic diseases. Last evaluated: 2023-12-20. Review status: criteria provided, single submitter. Criteria: Ambry Variant Classification Scheme 2023. Collection method: clinical testing. Allele origin: germline.